The following is an entry in ClinVar:

NM_198253.3(TERT):c.2380C>T (p.Gln794Ter)

Gene: TERT (telomerase reverse transcriptase; minus strand). Cytogenetic location: 5p15.33.
Variant type: single nucleotide variant.
Coding change: c.2380C>T on transcript NM_198253.3 (MANE Select); coding-DNA position 2380, C replaced by T.
Protein change: p.Gln794Ter; replaces glutamine 794 with a stop codon.
Molecular consequence: nonsense.
Genome position (GRCh38, 1-based): chr5:1,272,187, G>A on the plus strand (C>T on the coding strand, the complement: TERT is on the minus strand). VCF-style: chr5-1272187-G-A. GRCh37 (hg19) VCF-style: chr5-1272302-G-A.
Other names: c.2380C>T, p.Gln794Ter (NM_001193376.3, NM_003219.1); short protein forms Q794*.
Identifiers: ClinVar variation 2948451 (VCV002948451.3), dbSNP rs2478209197, ClinGen allele CA359076186.

ClinVar aggregate classification (germline): Pathogenic (1 of 4 stars; one submission).

Conditions:
Idiopathic Pulmonary Fibrosis. Also called: Idiopathic fibrosing alveolitis, chronic form; idiopathic fibrosing alveolitis. Identifiers: Orphanet 2032, MedGen C1800706, MeSH D054990, MONDO:0800504.
Dyskeratosis congenita, autosomal dominant 2. Identifiers: MedGen C3151443, MONDO:0013521, OMIM 613989.

Submission:

Labcorp Genetics (formerly Invitae), Labcorp
Classification: Pathogenic for Dyskeratosis congenita, autosomal dominant 2; Idiopathic Pulmonary Fibrosis. Last evaluated: 2023-06-02. Review status: criteria provided, single submitter. Criteria: Invitae Variant Classification Sherloc (09022015). Collection method: clinical testing. Allele origin: germline.
Comment: This variant is not present in population databases (gnomAD no frequency). For these reasons, this variant has been classified as Pathogenic. Algorithms developed to predict the effect of sequence changes on RNA splicing suggest that this variant may disrupt the consensus splice site. This variant has not been reported in the literature in individuals affected with TERT-related conditions. This sequence change creates a premature translational stop signal (p.Gln794*) in the TERT gene. It is expected to result in an absent or disrupted protein product. Loss-of-function variants in TERT are known to be pathogenic (PMID: 16247010, 17460043).

Literature cited by the submitters: PubMed 16247010; PubMed 17460043.